The following is an entry in ClinVar:

ClinVar aggregate classification (germline): Uncertain significance (1 of 4 stars; one submission).

Allele frequency attached by ClinVar (database versions not stated): gnomAD exomes 0.00001; TOPMed 0.00001.
gnomAD v4.1: 4 of 1,521,332 alleles (0.00026%); highest among the groups gnomAD compares: Admixed American, 0.008%; no homozygotes.

Submission:

Labcorp Genetics (formerly Invitae), Labcorp
Classification: Uncertain significance. Last evaluated: 2022-08-08. Review status: criteria provided, single submitter. Criteria: Invitae Variant Classification Sherloc (09022015). Collection method: clinical testing. Allele origin: germline.
Comment: In summary, the available evidence is currently insufficient to determine the role of this variant in disease. Therefore, it has been classified as a Variant of Uncertain Significance. Algorithms developed to predict the effect of missense changes on protein structure and function output the following: SIFT: "Tolerated"; PolyPhen-2: "Not Available"; Align-GVGD: "Class C0". The serine amino acid residue is found in multiple mammalian species, which suggests that this missense change does not adversely affect protein function. This variant has not been reported in the literature in individuals affected with NSUN2-related conditions. This variant is present in population databases (no rsID available, gnomAD 0.01%). This sequence change replaces glycine, which is neutral and non-polar, with serine, which is neutral and polar, at codon 22 of the NSUN2 protein (p.Gly22Ser).

NM_017755.6(NSUN2):c.64G>A (p.Gly22Ser)

Gene: NSUN2 (NOP2/Sun RNA methyltransferase 2; minus strand). Cytogenetic location: 5p15.31.
Variant type: single nucleotide variant.
Coding change: c.64G>A on transcript NM_017755.6 (MANE Select); coding-DNA position 64, G replaced by A.
Protein change: p.Gly22Ser; replaces glycine 22 with serine.
Molecular consequence: missense variant. On other transcripts: non-coding transcript variant (1).
Genome position (GRCh38, 1-based): chr5:6,632,916, C>T on the plus strand (G>A on the coding strand, the complement: NSUN2 is on the minus strand). VCF-style: chr5-6632916-C-T. GRCh37 (hg19) VCF-style: chr5-6633029-C-T.
Other names: c.64G>A, p.Gly22Ser (NM_001193455.2); short protein forms G22S.
Identifiers: ClinVar variation 1896466 (VCV001896466.3), dbSNP rs1234676428, ClinGen allele CA359130861.